The following is an entry in ClinVar:

NM_004656.4(BAP1):c.2017G>T (p.Glu673Ter)

Gene: BAP1 (BRCA1 associated deubiquitinase 1; minus strand). Cytogenetic location: 3p21.1.
Variant type: single nucleotide variant.
Coding change: c.2017G>T on transcript NM_004656.4 (MANE Select); coding-DNA position 2017, G replaced by T.
Protein change: p.Glu673Ter; replaces glutamic acid 673 with a stop codon.
Molecular consequence: nonsense.
Genome position (GRCh38, 1-based): chr3:52,402,641, C>A on the plus strand (G>T on the coding strand, the complement: BAP1 is on the minus strand). VCF-style: chr3-52402641-C-A. GRCh37 (hg19) VCF-style: chr3-52436657-C-A.
Other names: short protein forms E673*.
Identifiers: ClinVar variation 1071620 (VCV001071620.5), dbSNP rs2153226204, ClinGen allele CA353096267.
Genomic context (GRCh38, chr3:52,402,641, plus strand): 5'-GACAGCAGCGCATCCCCTCACCTTCCTGAGCCAGCATGGAGATAAAGGTGCAGATGAACT[C>A]ATCGTAGTTGTGGGTCCTTCTCTGGTCATCAATCTGTAGGAGAGAAGAAGACTGAGAGCA-3'

ClinVar aggregate classification (germline): Pathogenic (1 of 4 stars; one submission).

Conditions:
BAP1-related tumor predisposition syndrome (TPDS1). Also called: Tumor susceptibility linked to germline BAP1 mutations; BAP1 tumor predisposition syndrome; COMMON Syndrome; TUMOR PREDISPOSITION SYNDROME 1. Identifiers: Orphanet 289539, MedGen C3280492, MONDO:0013692, OMIM 614327.

Submission:

Labcorp Genetics (formerly Invitae), Labcorp
Classification: Pathogenic for BAP1-related tumor predisposition syndrome. Last evaluated: 2022-03-23. Review status: criteria provided, single submitter. Criteria: Invitae Variant Classification Sherloc (09022015). Collection method: clinical testing. Allele origin: germline.
Comment: This variant disrupts a region of the BAP1 protein in which other variant(s) (p.Gln684*) have been determined to be pathogenic (PMID: 18757409, 21874000, 24243779). This suggests that this is a clinically significant region of the protein, and that variants that disrupt it are likely to be disease-causing. For these reasons, this variant has been classified as Pathogenic. ClinVar contains an entry for this variant (Variation ID: 1071620). This variant has not been reported in the literature in individuals affected with BAP1-related conditions. This variant is not present in population databases (gnomAD no frequency). This sequence change creates a premature translational stop signal (p.Glu673*) in the BAP1 gene. While this is not anticipated to result in nonsense mediated decay, it is expected to disrupt the last 57 amino acid(s) of the BAP1 protein.

Literature cited by the submitters: PubMed 18757409; PubMed 21874000; PubMed 24243779.